The following is an entry in ClinVar:

NM_018082.6(POLR3B):c.2083+5G>T

Gene: POLR3B (RNA polymerase III subunit B; plus strand). Cytogenetic location: 12q23.3.
Variant type: single nucleotide variant.
Coding change: c.2083+5G>T on transcript NM_018082.6 (MANE Select); 5 bases into the intron after coding-DNA position 2083, G replaced by T.
Molecular consequence: intron variant.
Genome position (GRCh38, 1-based): chr12:106,444,595, G>T. VCF-style: chr12-106444595-G-T. GRCh37 (hg19) VCF-style: chr12-106838373-G-T.
Other names: c.1909+5G>T (NM_001160708.2).
Identifiers: ClinVar variation 3906477 (VCV003906477.2).
Genomic context (GRCh38, chr12:106,444,595, plus strand): 5'-CCATAACCAGTCACCGAGAAACACTTATCAGTGTGCCATGGGGAAACAAGCCATGGGTAA[G>T]ATTTCCTTCTTGAAAGTTGGTTCTAAATACTTGGAAATACTTTTGGAAAAAGCCTTACAT-3'

ClinVar aggregate classification (germline): Likely pathogenic (1 of 4 stars; one submission).

Submission:

GeneDx
Classification: Likely pathogenic. Last evaluated: 2026-04-26. Review status: criteria provided, single submitter. Criteria: GeneDx Variant Classification Process June 2021. Collection method: clinical testing. Allele origin: germline.
Comment: Intronic variant directly or indirectly altering the +5 splice site in a gene for which loss of function is a known mechanism of disease, and splice predictors support a deleterious effect; Not observed at significant frequency in large population cohorts (gnomAD); Has not been previously published as pathogenic or benign to our knowledge